The following is an entry in ClinVar:

NM_001161352.2(KCNMA1):c.413C>T (p.Ala138Val)

Gene: KCNMA1 (potassium calcium-activated channel subfamily M alpha 1; minus strand). Cytogenetic location: 10q22.3.
Variant type: single nucleotide variant.
Coding change: c.413C>T on transcript NM_001161352.2 (MANE Select); coding-DNA position 413, C replaced by T.
Protein change: p.Ala138Val; replaces alanine 138 with valine.
Molecular consequence: missense variant. On other transcripts: intron variant (1).
Genome position (GRCh38, 1-based): chr10:77,403,989, G>A on the plus strand (C>T on the coding strand, the complement: KCNMA1 is on the minus strand). VCF-style: chr10-77403989-G-A. GRCh37 (hg19) VCF-style: chr10-79163747-G-A.
Other names: c.413C>T, p.Ala138Val (NM_001014797.3, NM_001161353.2, NM_001271519.2 and 7 more transcripts); c.379-152733C>T (NM_001271518.2); short protein forms A138V.
Identifiers: ClinVar variation 252505 (VCV000252505.50), dbSNP rs144215383, ClinGen allele CA5568704.
Genomic context (GRCh38, chr10:77,403,989, plus strand): 5'-CAGCCGACCTCGGCGGCCACTGCCTCCTCTTTTTCATCCACTGGTTTGAGAGTGCCATCC[G>A]CCTGGCTTGAGCCATTGTTAATCTTCTGGGCCTCCTGGCAACAGAGAGAGCAAGAGTTAA-3'
Protein context (NP_001154824.1, residues 128-148): AQKINNGSSQ[Ala138Val]DGTLKPVDEK

ClinVar aggregate classification (germline): Conflicting classifications of pathogenicity. Review status: criteria provided, conflicting classifications (1 of 4 stars). 7 submissions from 7 submitters: Uncertain significance (1); Benign (1); Likely benign (4). 1 of the submissions does not count toward it. Last evaluated 2026-02-01.

Conditions:
KCNMA1-related disorder. Also called: KCNMA1-related disorders; KCNMA1-related condition.
Generalized epilepsy-paroxysmal dyskinesia syndrome (PNKD3). Also called: Generalized epilepsy and paroxysmal dyskinesia; Paroxysmal nonkinesigenic dyskinesia, 3, with or without generalized epilepsy. Identifiers: Orphanet 79137, MedGen C5574945, MONDO:0012276, OMIM 609446.

Allele frequency attached by ClinVar (database versions not stated): gnomAD exomes 0.00041; ExAC 0.00054; gnomAD 0.00165 and 0.00178; 1000 Genomes Project 30x 0.00187; ESP Exome Variant Server 0.00154; 1000 Genomes Project 0.00160; TOPMed 0.00202.
gnomAD v4.1: 532 of 1,614,106 alleles (0.033%); highest among the groups gnomAD compares: African/African-American, 0.58%; 3 homozygotes.

Submissions (7):

CeGaT Center for Human Genetics Tuebingen
Classification: Likely benign. Last evaluated: 2026-02-01. Review status: criteria provided, single submitter. Criteria: CeGaT Center For Human Genetics Tuebingen Variant Classification Criteria Version 2. Collection method: clinical testing. Allele origin: germline. Affected: yes. Observed: 2 variant alleles.
Comment: KCNMA1: PP2, BS2

Labcorp Genetics (formerly Invitae), Labcorp
Classification: Likely benign for Generalized epilepsy-paroxysmal dyskinesia syndrome. Last evaluated: 2026-01-19. Review status: criteria provided, single submitter. Criteria: Invitae Variant Classification Sherloc (09022015). Collection method: clinical testing. Allele origin: germline.

GeneDx
Classification: Likely benign. Last evaluated: 2021-03-29. Review status: criteria provided, single submitter. Criteria: GeneDx Variant Classification Process June 2021. Collection method: clinical testing. Allele origin: germline. Affected: yes.
Comment: This variant is associated with the following publications: (PMID: 16946189, 25784856)

Illumina Laboratory Services, Illumina
Classification: Uncertain significance for Generalized epilepsy-paroxysmal dyskinesia syndrome. Last evaluated: 2017-04-28. Review status: criteria provided, single submitter. Criteria: ICSL Variant Classification Criteria 13 December 2019. Collection method: clinical testing. Allele origin: germline.
Comment: This variant was observed as part of a predisposition screen in an ostensibly healthy population. A literature search was performed for the gene, cDNA change, and amino acid change (where applicable). Publications were found based on this search. However, the evidence from the literature, in combination with allele frequency data from public databases where available, was not sufficient to rule this variant in or out of causing disease. Therefore, this variant is classified as a variant of unknown significance.

Genomic Diagnostic Laboratory, Division of Genomic Diagnostics, Children's Hospital of Philadelphia
Classification: Likely benign. Last evaluated: 2015-08-24. Review status: criteria provided, single submitter. Criteria: DGD Variant Analysis Guidelines. Collection method: clinical testing. Allele origin: unknown.

Eurofins Ntd Llc (ga)
Classification: Benign. Last evaluated: 2015-08-19. Review status: criteria provided, single submitter. Criteria: EGL Classification Definitions 2015. Collection method: clinical testing. Allele origin: germline. Observed: 1 variant allele, 1 heterozygote.

PreventionGenetics, part of Exact Sciences
Classification: Likely benign for KCNMA1-related condition. Last evaluated: 2022-05-06. Review status: no assertion criteria provided. Collection method: clinical testing. Allele origin: germline. Not counted in ClinVar's aggregate classification.
Comment: This variant is classified as likely benign based on ACMG/AMP sequence variant interpretation guidelines (Richards et al. 2015 PMID: 25741868, with internal and published modifications).

Literature cited by the submitters: PubMed 16946189 (cited by Illumina Laboratory Services, Illumina).